The following is an entry in ClinVar:

NM_001457.4(FLNB):c.7142C>T (p.Ala2381Val)

Genes: FLNB (filamin B; plus strand), FLNB-AS1 (FLNB antisense RNA 1; minus strand). Cytogenetic location: 3p14.3.
Variant type: single nucleotide variant.
Coding change: c.7142C>T on transcript NM_001457.4 (MANE Select); coding-DNA position 7142, C replaced by T.
Protein change: p.Ala2381Val; replaces alanine 2381 with valine.
Molecular consequence: missense variant. On other transcripts: non-coding transcript variant (1).
Genome position (GRCh38, 1-based): chr3:58,163,274, C>T. VCF-style: chr3-58163274-C-T. GRCh37 (hg19) VCF-style: chr3-58149001-C-T.
Other names: c.7235C>T, p.Ala2412Val (NM_001164317.2); c.7109C>T, p.Ala2370Val (NM_001164318.2); c.7070C>T, p.Ala2357Val (NM_001164319.2); short protein forms A2412V, A2381V, A2370V, A2357V.
Identifiers: ClinVar variation 1932186 (VCV001932186.8), dbSNP rs752183022, ClinGen allele CA2469609.
Genomic context (GRCh38, chr3:58,163,274, plus strand): 5'-TCAATGGGAGCCACGTGGTTGGAAGCCCCTTCAAAGTGCGCGTTGGGGAGCCTGGACAAG[C>T]GGGGAACCCTGCCCTGGTGTCCGCCTATGGCACGGGACTCGAAGGGGGCACCACAGGTAA-3'
Protein context (NP_001448.2, residues 2371-2391): FKVRVGEPGQ[Ala2381Val]GNPALVSAYG

ClinVar aggregate classification (germline): Uncertain significance. Review status: criteria provided, multiple submitters, no conflicts (2 of 4 stars). 2 submissions from 2 submitters: Uncertain significance (2). Last evaluated 2025-09-19.

Conditions:
Inborn genetic diseases. Identifiers: MedGen C0950123, MeSH D030342.

Allele frequency attached by ClinVar (database versions not stated): gnomAD exomes below 0.00001; ExAC 0.00001; gnomAD 0.00001.
gnomAD v4.1: 7 of 1,614,078 alleles (0.00043%); highest among the groups gnomAD compares: Non-Finnish European, 0.00017%; no homozygotes.

Submissions (3):

Labcorp Genetics (formerly Invitae), Labcorp
Classification: Uncertain significance. Last evaluated: 2025-09-19. Review status: criteria provided, single submitter. Criteria: Invitae Variant Classification Sherloc (09022015). Collection method: clinical testing. Allele origin: germline.
Comment: This sequence change replaces alanine, which is neutral and non-polar, with valine, which is neutral and non-polar, at codon 2381 of the FLNB protein (p.Ala2381Val). This variant is present in population databases (rs752183022, gnomAD 0.01%). This variant has not been reported in the literature in individuals affected with FLNB-related conditions. ClinVar contains an entry for this variant (Variation ID: 1932186). Invitae Evidence Modeling of protein sequence and biophysical properties (such as structural, functional, and spatial information, amino acid conservation, physicochemical variation, residue mobility, and thermodynamic stability) indicates that this missense variant is not expected to disrupt FLNB protein function with a negative predictive value of 95%. In summary, the available evidence is currently insufficient to determine the role of this variant in disease. Therefore, it has been classified as a Variant of Uncertain Significance.

Ambry Genetics
Classification: Uncertain significance for Inborn genetic diseases. Last evaluated: 2025-05-14. Review status: criteria provided, single submitter. Criteria: Ambry Variant Classification Scheme 2023. Collection method: clinical testing. Allele origin: germline.

Dr. Peter K. Rogan Lab, Western University
No classification provided (evidence only). Condition: Uterine corpus endometrial carcinoma. Review status: no classification provided. Collection method: in vitro. Allele origin: not applicable. Functional consequence: retained intron. Not counted in ClinVar's aggregate classification.